The following is an entry in ClinVar:

ClinVar aggregate classification (germline): Uncertain significance (1 of 4 stars; one submission).

Submission:

Labcorp Genetics (formerly Invitae), Labcorp
Classification: Uncertain significance. Last evaluated: 2022-09-03. Review status: criteria provided, single submitter. Criteria: Invitae Variant Classification Sherloc (09022015). Collection method: clinical testing. Allele origin: germline.
Comment: This variant, c.13_15del, results in the deletion of 1 amino acid(s) of the UNC119 protein (p.Lys5del), but otherwise preserves the integrity of the reading frame. In summary, the available evidence is currently insufficient to determine the role of this variant in disease. Therefore, it has been classified as a Variant of Uncertain Significance. Experimental studies and prediction algorithms are not available or were not evaluated, and the functional significance of this variant is currently unknown. ClinVar contains an entry for this variant (Variation ID: 936259). This variant has not been reported in the literature in individuals affected with UNC119-related conditions. This variant is present in population databases (no rsID available, gnomAD 0.1%).

NM_005148.4(UNC119):c.10AAG[1] (p.Lys5del)

Genes: UNC119 (unc-119 lipid binding chaperone; minus strand), LOC130060555 (ATAC-STARR-seq lymphoblastoid silent region 8343; plus strand). Cytogenetic location: 17q11.2.
Variant type: Microsatellite.
Coding change: c.10AAG[1] on transcript NM_005148.4 (MANE Select); one copy of the 3-base unit AAG starting at c.10; the reference has two copies in a row; one copy, 3 bases deleted.
Protein change: p.Lys5del; deletes lysine 5.
Molecular consequence: inframe deletion. On other transcripts: 5 prime UTR variant (1).
Genome position (GRCh38, 1-based): chr17:28,552,543-28,552,545, CTT deleted on the plus strand (AAG on the coding strand, the reverse complement: UNC119 is on the minus strand); deleting any 3 consecutive bases within chr17:28,552,543-28,552,549 gives the same sequence; the position shown is the placement nearest the transcript's 3' end. VCF-style (leftmost placement, unchanged base first): chr17-28552542-CCTT-C. GRCh37 (hg19) VCF-style: chr17-26879560-CCTT-C.
Other names: c.-304AAG[1] (NM_001330166.2); c.10AAG[1], p.Lys5del (NM_054035.2); short protein forms K5del.
Identifiers: ClinVar variation 936259 (VCV000936259.7), dbSNP rs1380890833, ClinGen allele CA625384363.